The following is an entry in ClinVar:

ClinVar aggregate classification (germline): Uncertain significance. Review status: criteria provided, multiple submitters, no conflicts (2 of 4 stars). 2 submissions from 2 submitters: Uncertain significance (2). Last evaluated 2025-07-15.

Conditions:
RYR1-related disorder. Also called: RYR1-related disorders; RYR1-related condition. Identifiers: MedGen CN239331.
Malignant hyperthermia, susceptibility to, 1 (MHS1). Also called: RYR1-Related Malignant Hyperthermia Susceptibility; Anesthesia related hyperthermia; Malignant hyperpyrexia; Fulminating hyperpyrexia; Pharmacogenic myopathy; Malignant hyperthermia suceptibility 1. Identifiers: Orphanet 423, MedGen C2930980, MONDO:0007783, OMIM 145600.

Allele frequency attached by ClinVar (database versions not stated): gnomAD exomes below 0.00001.
gnomAD v4.1: 1 of 1,613,332 alleles (0.000062%); highest among the groups gnomAD compares: Non-Finnish European, 0.000085%; no homozygotes.

Submissions (2):

Color Diagnostics, LLC DBA Color Health
Classification: Uncertain significance for Malignant hyperthermia, susceptibility to, 1. Last evaluated: 2025-07-15. Review status: criteria provided, single submitter. Criteria: ACMG Guidelines, 2015. Collection method: clinical testing. Allele origin: germline.
Comment: This missense variant replaces glutamic acid with glycine at codon 176 of the RYR1 protein. This variant occurs in a region of the RYR1 protein that is considered to be a hotspot for pathogenic variants that contribute to malignant hyperthermia susceptibility (PMID: 21118704). Computational prediction suggests that this variant may have deleterious impact on protein structure and function. To our knowledge, functional studies have not been reported for this variant. This variant has not been reported in individuals affected with RYR1-related disorders in the literature. This variant has not been identified in the general population by the Genome Aggregation Database (gnomAD). The available evidence is insufficient to determine the role of this variant in disease conclusively. Therefore, this variant is classified as a Variant of Uncertain Significance.

Labcorp Genetics (formerly Invitae), Labcorp
Classification: Uncertain significance for RYR1-related disorder. Last evaluated: 2020-10-08. Review status: criteria provided, single submitter. Criteria: Invitae Variant Classification Sherloc (09022015). Collection method: clinical testing. Allele origin: germline.
Comment: In summary, the available evidence is currently insufficient to determine the role of this variant in disease. Therefore, it has been classified as a Variant of Uncertain Significance. This variant disrupts the p.Glu176 amino acid residue in RYR1. Other variant(s) that disrupt this residue have been observed in individuals with RYR1-related conditions (PMID: 29635721, Invitae), which suggests that this may be a clinically significant amino acid residue. Advanced modeling of protein sequence and biophysical properties (such as structural, functional, and spatial information, amino acid conservation, physicochemical variation, residue mobility, and thermodynamic stability) performed at Invitae indicates that this missense variant is expected to disrupt RYR1 protein function. This variant has not been reported in the literature in individuals with RYR1-related conditions. This variant is not present in population databases (ExAC no frequency). This sequence change replaces glutamic acid with glycine at codon 176 of the RYR1 protein (p.Glu176Gly). The glutamic acid residue is highly conserved and there is a moderate physicochemical difference between glutamic acid and glycine.

Literature cited by the submitters: PubMed 21118704 (cited by Color Diagnostics, LLC DBA Color Health); PubMed 29635721 (cited by Labcorp Genetics (formerly Invitae), Labcorp).

NM_000540.3(RYR1):c.527A>G (p.Glu176Gly)

Gene: RYR1 (ryanodine receptor 1; plus strand). Cytogenetic location: 19q13.2.
Variant type: single nucleotide variant.
Coding change: c.527A>G on transcript NM_000540.3 (MANE Select); coding-DNA position 527, A replaced by G.
Protein change: p.Glu176Gly; replaces glutamic acid 176 with glycine.
Molecular consequence: missense variant.
Genome position (GRCh38, 1-based): chr19:38,444,251, A>G. VCF-style: chr19-38444251-A-G. GRCh37 (hg19) VCF-style: chr19-38934891-A-G.
Other names: c.527A>G, p.Glu176Gly (NM_001042723.2); short protein forms E176G.
Identifiers: ClinVar variation 1058610 (VCV001058610.9), dbSNP rs2145338967, ClinGen allele CA405677083.